The following is an entry in ClinVar:

NM_022166.4(XYLT1):c.337C>T (p.Arg113Trp)

Gene: XYLT1 (xylosyltransferase 1; minus strand). Cytogenetic location: 16p12.3.
Variant type: single nucleotide variant.
Coding change: c.337C>T on transcript NM_022166.4 (MANE Select); coding-DNA position 337, C replaced by T.
Protein change: p.Arg113Trp; replaces arginine 113 with tryptophan.
Molecular consequence: missense variant.
Genome position (GRCh38, 1-based): chr16:17,470,460, G>A on the plus strand (C>T on the coding strand, the complement: XYLT1 is on the minus strand). VCF-style: chr16-17470460-G-A. GRCh37 (hg19) VCF-style: chr16-17564317-G-A.
Other names: short protein forms R113W.
Identifiers: ClinVar variation 1020411 (VCV001020411.8), dbSNP rs2036970942, ClinGen allele CA395219923.

ClinVar aggregate classification (germline): Uncertain significance (1 of 4 stars; one submission).

Conditions:
Desbuquois dysplasia 1 (DBQD1). Also called: MICROMELIC DWARFISM WITH VERTEBRAL AND METAPHYSEAL ABNORMALITIES AND ADVANCED CARPOTARSAL OSSIFICATION; DESBUQUOIS DYSPLASIA 1, KIM VARIANT. Identifiers: Orphanet 1425, MedGen C4012146, MONDO:0009629, OMIM 251450.

Allele frequency attached by ClinVar (database versions not stated): gnomAD exomes below 0.00001; TOPMed below 0.00001.

Submission:

Labcorp Genetics (formerly Invitae), Labcorp
Classification: Uncertain significance for Desbuquois dysplasia 1. Last evaluated: 2020-10-19. Review status: criteria provided, single submitter. Criteria: Invitae Variant Classification Sherloc (09022015). Collection method: clinical testing. Allele origin: germline.
Comment: This sequence change replaces arginine with tryptophan at codon 113 of the XYLT1 protein (p.Arg113Trp). The arginine residue is weakly conserved and there is a moderate physicochemical difference between arginine and tryptophan. The frequency data for this variant in the population databases is considered unreliable, as metrics indicate insufficient coverage at this position in the ExAC database. This variant has not been reported in the literature in individuals with XYLT1-related conditions. Algorithms developed to predict the effect of missense changes on protein structure and function are either unavailable or do not agree on the potential impact of this missense change (SIFT: "Deleterious"; PolyPhen-2: "Benign"; Align-GVGD: "Class C0"). In summary, the available evidence is currently insufficient to determine the role of this variant in disease. Therefore, it has been classified as a Variant of Uncertain Significance.